The following is an entry in ClinVar:

NM_001330588.2(TPP2):c.2312A>C (p.Asn771Thr)

Gene: TPP2 (tripeptidyl peptidase 2; plus strand). Cytogenetic location: 13q33.1.
Variant type: single nucleotide variant.
Coding change: c.2312A>C on transcript NM_001330588.2 (MANE Select); coding-DNA position 2312, A replaced by C.
Protein change: p.Asn771Thr; replaces asparagine 771 with threonine.
Molecular consequence: missense variant. On other transcripts: non-coding transcript variant (1).
Genome position (GRCh38, 1-based): chr13:102,644,928, A>C. VCF-style: chr13-102644928-A-C. GRCh37 (hg19) VCF-style: chr13-103297278-A-C.
Other names: c.2312A>C, p.Asn771Thr (NM_001367947.1, NM_003291.4); short protein forms N771T.
Identifiers: ClinVar variation 1044127 (VCV001044127.9), dbSNP rs758760400, ClinGen allele CA388497101.

ClinVar aggregate classification (germline): Uncertain significance (1 of 4 stars; one submission).

Conditions:
Evans syndrome, immunodeficiency, and premature immunosenescence associated with tripeptidyl-peptidase II deficiency. Identifiers: MedGen CN231723. Disease mechanism: loss of function.

gnomAD v4.1: 3 of 1,614,022 alleles (0.00019%); highest among the groups gnomAD compares: Non-Finnish European, 0.00025%; no homozygotes.

Submission:

Labcorp Genetics (formerly Invitae), Labcorp
Classification: Uncertain significance for Evans syndrome, immunodeficiency, and premature immunosenescence associated with tripeptidyl-peptidase II deficiency. Last evaluated: 2025-06-08. Review status: criteria provided, single submitter. Criteria: Invitae Variant Classification Sherloc (09022015). Collection method: clinical testing. Allele origin: germline.
Comment: This sequence change replaces asparagine, which is neutral and polar, with threonine, which is neutral and polar, at codon 771 of the TPP2 protein (p.Asn771Thr). This variant is present in population databases (no rsID available, gnomAD 0.0009%). This variant has not been reported in the literature in individuals affected with TPP2-related conditions. ClinVar contains an entry for this variant (Variation ID: 1044127). An algorithm developed to predict the effect of missense changes on protein structure and function (PolyPhen-2) suggests that this variant is likely to be tolerated. In summary, the available evidence is currently insufficient to determine the role of this variant in disease. Therefore, it has been classified as a Variant of Uncertain Significance.